The following is an entry in ClinVar:

ClinVar aggregate classification (germline): Likely benign (1 of 4 stars; one submission).

Allele frequency attached by ClinVar (database versions not stated): gnomAD exomes 0.00112; gnomAD 0.01059; TOPMed 0.01322; 1000 Genomes Project 0.01498; 1000 Genomes Project 30x 0.01515.
gnomAD v4.1: 2,510 of 914,346 alleles (0.27%); highest among the groups gnomAD compares: African/African-American, 3.4%; 34 homozygotes.

Submission:

GeneDx
Classification: Likely benign. Last evaluated: 2020-11-03. Review status: criteria provided, single submitter. Criteria: GeneDx Variant Classification Process June 2021. Collection method: clinical testing. Allele origin: germline. Affected: yes.
Comment: See Variant Classification Assertion Criteria.

NM_018965.4(TREM2):c.483-152C>T

Gene: TREM2 (triggering receptor expressed on myeloid cells 2; minus strand). Cytogenetic location: 6p21.1.
Variant type: single nucleotide variant.
Coding change: c.483-152C>T on transcript NM_018965.4 (MANE Select); 152 bases into the intron before coding-DNA position 483, C replaced by T.
Molecular consequence: intron variant.
Genome position (GRCh38, 1-based): chr6:41,159,218, G>A on the plus strand (C>T on the coding strand, the complement: TREM2 is on the minus strand). VCF-style: chr6-41159218-G-A. GRCh37 (hg19) VCF-style: chr6-41126956-G-A.
Other names: c.483-438C>T (NM_001271821.2).
Identifiers: ClinVar variation 1706662 (VCV001706662.2), dbSNP rs58443802, ClinGen allele CA138016865.